The following is an entry in ClinVar:

NM_001163809.2(WDR81):c.1478C>T (p.Pro493Leu)

Gene: WDR81 (WD repeat domain 81; plus strand). Cytogenetic location: 17p13.3.
Variant type: single nucleotide variant.
Coding change: c.1478C>T on transcript NM_001163809.2 (MANE Select); coding-DNA position 1478, C replaced by T.
Protein change: p.Pro493Leu; replaces proline 493 with leucine.
Molecular consequence: missense variant. On other transcripts: intron variant (3).
Genome position (GRCh38, 1-based): chr17:1,726,437, C>T. VCF-style: chr17-1726437-C-T. GRCh37 (hg19) VCF-style: chr17-1629731-C-T.
Other names: p.Pro493Leu; c.-123-1553C>T (NM_152348.4); c.59-3943C>T (NM_001163673.2); c.-15+1651C>T (NM_001163811.2); short protein forms P493L.
Identifiers: ClinVar variation 3380450 (VCV003380450.1).

ClinVar aggregate classification (germline): Uncertain significance (1 of 4 stars; one submission).

gnomAD v4.1: 30 of 1,550,256 alleles (0.0019%); highest among the groups gnomAD compares: Non-Finnish European, 0.0024%; no homozygotes.

Submission:

Mayo Clinic Laboratories, Mayo Clinic
Classification: Uncertain significance. Last evaluated: 2023-08-25. Review status: criteria provided, single submitter. Criteria: ACMG Guidelines, 2015. Collection method: clinical testing. Allele origin: germline. Observed: 1 variant allele.
Comment: PP3, PM2_moderate